The following is an entry in ClinVar:

NM_139057.4(ADAMTS17):c.*1741A>T

Gene: ADAMTS17 (ADAM metallopeptidase with thrombospondin type 1 motif 17; minus strand). Cytogenetic location: 15q26.3.
Variant type: single nucleotide variant.
Coding change: c.*1741A>T on transcript NM_139057.4 (MANE Select); 1741 bases downstream of the stop codon, A replaced by T.
Molecular consequence: 3 prime UTR variant.
Genome position (GRCh38, 1-based): chr15:99,972,661, T>A on the plus strand (A>T on the coding strand, the complement: ADAMTS17 is on the minus strand). VCF-style: chr15-99972661-T-A. GRCh37 (hg19) VCF-style: chr15-100512866-T-A.
Identifiers: ClinVar variation 315177 (VCV000315177.5), dbSNP rs542106384, ClinGen allele CA10642831.

ClinVar aggregate classification (germline): Benign (1 of 4 stars; one submission).

Conditions:
Weill-Marchesani 4 syndrome, recessive. Also called: Weill-Marchesani syndrome 4. Identifiers: Orphanet 363992, MedGen C2750787, MONDO:0013176, OMIM 613195.

Allele frequency attached by ClinVar (database versions not stated): gnomAD 0.00001 and 0.00050; TOPMed 0.00009; 1000 Genomes Project 0.00399; 1000 Genomes Project 30x 0.00437.

Submission:

Illumina Laboratory Services, Illumina
Classification: Benign for Weill-Marchesani 4 syndrome, recessive. Last evaluated: 2018-01-12. Review status: criteria provided, single submitter. Criteria: ICSL Variant Classification Criteria 13 December 2019. Collection method: clinical testing. Allele origin: germline.
Comment: This variant was observed in the ICSL laboratory as part of a predisposition screen in an ostensibly healthy population. It had not been previously curated by ICSL or reported in the Human Gene Mutation Database (HGMD: prior to June 1st, 2018), and was therefore a candidate for classification through an automated scoring system. Utilizing variant allele frequency, disease prevalence and penetrance estimates, and inheritance mode, an automated score was calculated to assess if this variant is too frequent to cause the disease. Based on the score and internal cut-off values, a variant classified as benign is not then subjected to further curation. The score for this variant resulted in a classification of benign for this disease.